The following is an entry in ClinVar:

ClinVar aggregate classification (germline): Conflicting classifications of pathogenicity. Review status: criteria provided, conflicting classifications (1 of 4 stars). 3 submissions from 3 submitters: Uncertain significance (1); Benign (1); Likely benign (1). Last evaluated 2026-01-11.

Conditions:
X-linked lymphoproliferative disease due to XIAP deficiency. Also called: XIAP-Related Lymphoproliferative Disease, X-Linked; XIAP DEFICIENCY. Identifiers: Orphanet 2442, Orphanet 538934, MedGen C1845076, MONDO:0010385, OMIM 300635.
Inborn genetic diseases. Identifiers: MedGen C0950123, MeSH D030342.

Allele frequency attached by ClinVar (database versions not stated): gnomAD 0.00001; gnomAD exomes 0.00002 and 0.00004; TOPMed 0.00003; ExAC 0.00005.
gnomAD v4.1: 23 of 1,210,110 alleles (0.0019%); highest among the groups gnomAD compares: Admixed American, 0.02%; no homozygotes.

Submissions (3):

Labcorp Genetics (formerly Invitae), Labcorp
Classification: Benign for X-linked lymphoproliferative disease due to XIAP deficiency. Last evaluated: 2026-01-11. Review status: criteria provided, single submitter. Criteria: Invitae Variant Classification Sherloc (09022015). Collection method: clinical testing. Allele origin: germline.

Ambry Genetics
Classification: Uncertain significance for Inborn genetic diseases. Last evaluated: 2025-08-12. Review status: criteria provided, single submitter. Criteria: Ambry Variant Classification Scheme 2023. Collection method: clinical testing. Allele origin: germline.

CeGaT Center for Human Genetics Tuebingen
Classification: Likely benign. Last evaluated: 2023-02-01. Review status: criteria provided, single submitter. Criteria: CeGaT Center For Human Genetics Tuebingen Variant Classification Criteria Version 2. Collection method: clinical testing. Allele origin: germline. Affected: yes. Observed: 1 variant allele.
Comment: XIAP: BP4, BS2

NM_001167.4(XIAP):c.308C>T (p.Thr103Met)

Gene: XIAP (X-linked inhibitor of apoptosis; plus strand). Cytogenetic location: Xq25.
Variant type: single nucleotide variant.
Coding change: c.308C>T on transcript NM_001167.4 (MANE Select); coding-DNA position 308, C replaced by T.
Protein change: p.Thr103Met; replaces threonine 103 with methionine.
Molecular consequence: missense variant.
Genome position (GRCh38, 1-based): chrX:123,885,970, C>T. VCF-style: chrX-123885970-C-T. GRCh37 (hg19) VCF-style: chrX-123019820-C-T.
Other names: c.308C>T, p.Thr103Met (NM_001204401.2, NM_001378590.1, NM_001378591.1 and 1 more transcripts); c.308C>T (NM_001167.3); short protein forms T103M.
Identifiers: ClinVar variation 1164390 (VCV001164390.33), dbSNP rs749157868, ClinGen allele CA10508012.